The following is an entry in ClinVar:

NM_014268.4(MAPRE2):c.910-6C>G

Gene: MAPRE2 (microtubule associated protein RP/EB family member 2; plus strand). Cytogenetic location: 18q12.2.
Variant type: single nucleotide variant.
Coding change: c.910-6C>G on transcript NM_014268.4 (MANE Select); 6 bases into the intron before coding-DNA position 910, C replaced by G.
Molecular consequence: intron variant.
Genome position (GRCh38, 1-based): chr18:35,140,289, C>G. VCF-style: chr18-35140289-C-G. GRCh37 (hg19) VCF-style: chr18-32720253-C-G.
Other names: c.781-6C>G (NM_001143826.3); c.874-6C>G (NM_001143827.3); c.751-6C>G (NM_001256420.2).
Identifiers: ClinVar variation 4847935 (VCV004847935.1).

ClinVar aggregate classification (germline): Uncertain significance (1 of 4 stars; one submission).

gnomAD v4.1: 8 of 1,612,972 alleles (0.0005%); highest among the groups gnomAD compares: Admixed American, 0.005%; no homozygotes.

Submission:

Women's Health and Genetics/Laboratory Corporation of America, LabCorp
Classification: Uncertain significance. Last evaluated: 2026-02-25. Review status: criteria provided, single submitter. Criteria: LabCorp Variant Classification Summary - May 2015. Collection method: clinical testing. Allele origin: germline.
Comment: Variant summary: MAPRE2 c.910-6C>G alters a non-conserved nucleotide located at a position not widely known to affect splicing. Several computational tools predict a significant impact on normal splicing: three predict the variant weakens a 3' acceptor site, one predicts the variant no significant impact on splicing. However, these predictions have yet to be confirmed by functional studies. The variant allele was found at a frequency of 8.1e-06 in 246974 control chromosomes (gnomAD). The available data on variant occurrences in the general population are insufficient to allow any conclusion about variant significance. To our knowledge, no occurrence of c.910-6C>G in individuals affected with MAPRE2-related conditions and no experimental evidence demonstrating its impact on protein function have been reported. No submitters have cited clinical-significance assessments for this variant to ClinVar. Based on the evidence outlined above, the variant was classified as uncertain significance.